The following is an entry in ClinVar:

ClinVar aggregate classification (germline): Conflicting classifications of pathogenicity. Review status: criteria provided, conflicting classifications (1 of 4 stars). 9 submissions from 9 submitters: Uncertain significance (8); Likely benign (1). Last evaluated 2026-01-13.

Conditions:
Familial cancer of breast. Also called: hereditary breast carcinoma; Hereditary breast cancer; BREAST CANCER, FAMILIAL. Identifiers: Orphanet 227535, MedGen C0346153, MONDO:0016419, OMIM 114480. Disease mechanism: loss of function.
Familial colorectal cancer type X. Identifiers: Orphanet 440437, MedGen C3896578, MONDO:0018604.
Hereditary cancer-predisposing syndrome. Also called: Tumor predisposition; Neoplastic Syndromes, Hereditary; Hereditary Cancer Syndrome; Hereditary neoplastic syndrome. Identifiers: Orphanet 140162, MedGen C0027672, MeSH D009386, MONDO:0015356.
Ataxia-telangiectasia syndrome (AT). Also called: Ataxia telangiectasia (A-T); Cerebello-oculocutaneous telangiectasia; Immunodeficiency with ataxia telangiectasia; ATAXIA-TELANGIECTASIA, COMPLEMENTATION GROUP A; ATAXIA-TELANGIECTASIA, FRESNO VARIANT; Ataxia-telangiectasia. Identifiers: Orphanet 100, MedGen C0004135, MONDO:0008840, OMIM 208900.

gnomAD v4.1: 34 of 1,613,608 alleles (0.0021%); highest among the groups gnomAD compares: Non-Finnish European, 0.0029%; no homozygotes.

Submissions (9):

Labcorp Genetics (formerly Invitae), Labcorp
Classification: Uncertain significance for Ataxia-telangiectasia syndrome. Last evaluated: 2026-01-13. Review status: criteria provided, single submitter. Criteria: Invitae Variant Classification Sherloc (09022015). Collection method: clinical testing. Allele origin: germline.
Comment: This sequence change replaces asparagine, which is neutral and polar, with tyrosine, which is neutral and polar, at codon 796 of the ATM protein (p.Asn796Tyr). This variant is present in population databases (rs201793499, gnomAD 0.0009%). This missense change has been observed in individual(s) with dystonia (PMID: 31920950). ClinVar contains an entry for this variant (Variation ID: 219746). Invitae Evidence Modeling of protein sequence and biophysical properties (such as structural, functional, and spatial information, amino acid conservation, physicochemical variation, residue mobility, and thermodynamic stability) indicates that this missense variant is not expected to disrupt ATM protein function with a negative predictive value of 95%. In summary, the available evidence is currently insufficient to determine the role of this variant in disease. Therefore, it has been classified as a Variant of Uncertain Significance.

Ambry Genetics
Classification: Likely benign for Hereditary cancer-predisposing syndrome. Last evaluated: 2025-12-12. Review status: criteria provided, single submitter. Criteria: Ambry Variant Classification Scheme 2023. Collection method: clinical testing. Allele origin: germline.

Color Diagnostics, LLC DBA Color Health
Classification: Uncertain significance for Hereditary cancer-predisposing syndrome. Last evaluated: 2024-12-11. Review status: criteria provided, single submitter. Criteria: ACMG Guidelines, 2015. Collection method: clinical testing. Allele origin: germline.
Comment: This missense variant replaces asparagine with tyrosine at codon 796 of the ATM protein. Computational prediction suggests that this variant may not impact protein structure and function. To our knowledge, functional studies have not been reported for this variant. In a case-control study, this variant was detected in 1/13087 breast cancer cases and absent in 5488 controls (PMID: 28779002). This variant has been reported in an individual affected with dystonia (PMID: 31920950). This variant has been identified in 1/251222 chromosomes in the general population by the Genome Aggregation Database (gnomAD). The available evidence is insufficient to determine the role of this variant in disease conclusively. Therefore, this variant is classified as a Variant of Uncertain Significance.

Blueprint Genetics
Classification: Uncertain significance. Last evaluated: 2024-03-05. Review status: criteria provided, single submitter. Criteria: ACMG Guidelines, 2015. Collection method: clinical testing. Allele origin: germline.

Baylor Genetics
Classification: Uncertain significance for Familial cancer of breast. Last evaluated: 2024-03-03. Review status: criteria provided, single submitter. Criteria: ACMG Guidelines, 2015. Collection method: clinical testing. Allele origin: unknown.

Department of Pathology and Laboratory Medicine, Sinai Health System
Classification: Uncertain significance for Familial colorectal cancer type X. Last evaluated: 2022-05-30. Review status: criteria provided, single submitter. Criteria: ACMG Guidelines, 2015. Collection method: clinical testing. Allele origin: germline. Affected: yes.

GeneDx
Classification: Uncertain significance. Last evaluated: 2022-03-02. Review status: criteria provided, single submitter. Criteria: GeneDx Variant Classification Process June 2021. Collection method: clinical testing. Allele origin: germline. Affected: yes.
Comment: Not observed at significant frequency in large population cohorts (gnomAD); In silico analysis supports that this missense variant does not alter protein structure/function; Has not been previously published as pathogenic or benign to our knowledge

Sema4
Classification: Uncertain significance for Hereditary cancer-predisposing syndrome. Last evaluated: 2021-04-06. Review status: criteria provided, single submitter. Criteria: Sema4 Curation Guidelines. Collection method: curation. Allele origin: germline.
Comment: To the best of our knowledge, the ATM c.2386A>T (p.N796Y) has not been reported in individuals with ATM-related disease. It was observed in 1/34580 chromosomes of the Non-Finnish European subpopulation in the large and broad cohorts of the Genome Aggregation Database (PMID: 32461654). The variant has been reported in ClinVar (Variation ID: 219746). In silico tools suggest the impact of the variant on protein function is inconclusive, though these predictions have not been confirmed by functional studies. The evidence is insufficient to meet ACMG/AMP criteria for classifying the variant as benign or pathogenic. Thus, the clinical significance of this variant is currently uncertain.

Athena Diagnostics
Classification: Uncertain significance. Last evaluated: 2018-05-24. Review status: criteria provided, single submitter. Criteria: Athena Diagnostics Criteria. Collection method: clinical testing. Allele origin: germline.

Literature cited by the submitters: PubMed 31920950 (cited by 3 submitters); PubMed 28779002 (cited by Ambry Genetics and Color Diagnostics, LLC DBA Color Health); PubMed 40580951 (cited by Ambry Genetics).

NM_000051.4(ATM):c.2386A>T (p.Asn796Tyr)

Gene: ATM (ATM serine/threonine kinase; plus strand). Cytogenetic location: 11q22.3.
Variant type: single nucleotide variant.
Coding change: c.2386A>T on transcript NM_000051.4 (MANE Select); coding-DNA position 2386, A replaced by T.
Protein change: p.Asn796Tyr; replaces asparagine 796 with tyrosine.
Molecular consequence: missense variant.
Genome position (GRCh38, 1-based): chr11:108,258,995, A>T. VCF-style: chr11-108258995-A-T. GRCh37 (hg19) VCF-style: chr11-108129722-A-T.
Other names: c.2386A>T, p.Asn796Tyr (NM_001351834.2); c.2386A>T (NM_000051.2); short protein forms N796Y.
Identifiers: ClinVar variation 219746 (VCV000219746.24), dbSNP rs201793499, ClinGen allele CA350217.